The following is an entry in ClinVar:

NM_021971.4(GMPPB):c.907C>T (p.Leu303Phe)

Gene: GMPPB (GDP-mannose pyrophosphorylase B; minus strand). Cytogenetic location: 3p21.31.
Variant type: single nucleotide variant.
Coding change: c.907C>T on transcript NM_021971.4 (MANE Select); coding-DNA position 907, C replaced by T.
Protein change: p.Leu303Phe; replaces leucine 303 with phenylalanine.
Molecular consequence: missense variant.
Genome position (GRCh38, 1-based): chr3:49,722,009, G>A on the plus strand (C>T on the coding strand, the complement: GMPPB is on the minus strand). VCF-style: chr3-49722009-G-A. GRCh37 (hg19) VCF-style: chr3-49759442-G-A.
Other names: c.907C>T, p.Leu303Phe (NM_013334.4); c.907C>T (NM_013334.2); short protein forms L303F.
Identifiers: ClinVar variation 1374516 (VCV001374516.5), dbSNP rs2080420731, ClinGen allele CA352826968.

ClinVar aggregate classification (germline): Uncertain significance. Review status: criteria provided, multiple submitters, no conflicts (2 of 4 stars). 2 submissions from 2 submitters: Uncertain significance (2). Last evaluated 2022-11-14.

Conditions:
Muscular dystrophy-dystroglycanopathy (congenital with impaired intellectual development), type B, 14. Also called: Congenital muscular dystrophy-dystroglycanopathy with mental retardation, type B14; Muscular dystrophy-dystroglycanopathy (congenital with intellectual disability), type B14; MUSCULAR DYSTROPHY, CONGENITAL, GMPPB-RELATED. Identifiers: MedGen C3809221, MONDO:0014141, OMIM 615351.
Autosomal recessive limb-girdle muscular dystrophy type 2T. Also called: Limb-girdle muscular dystrophy-dystroglycanopathy, type C14; MUSCULAR DYSTROPHY-DYSTROGLYCANOPATHY, LIMB-GIRDLE, GMPPB-RELATED; MUSCULAR DYSTROPHY, LIMB-GIRDLE, TYPE 2T; Muscular dystrophy-dystroglycanopathy (limb-girdle), type c, 14. Identifiers: Orphanet 363623, MedGen C4518000, MONDO:0014142, OMIM 615352.
Muscular dystrophy-dystroglycanopathy (congenital with brain and eye anomalies), type A14. Also called: Congenital muscular dystrophy-dystroglycanopathy with brain and eye anomalies, type A14; WALKER-WARBURG SYNDROME OR MUSCLE-EYE-BRAIN DISEASE, GMPPB-RELATED; Muscular dystrophy-dystroglycanopathy (congenital with brain and eye anomalies), type a, 14; Congenital Muscular Dystrophy-Dystroglycanopathy with Brain and Eye Anomalies Type A 14. Identifiers: Orphanet 588, MedGen C3809216, MONDO:0014140, OMIM 615350.
Inborn genetic diseases. Identifiers: MedGen C0950123, MeSH D030342.

Allele frequency attached by ClinVar (database versions not stated): gnomAD exomes 0.00001; TOPMed 0.00001.

Submissions (2):

Ambry Genetics
Classification: Uncertain significance for Inborn genetic diseases. Last evaluated: 2022-11-14. Review status: criteria provided, single submitter. Criteria: Ambry Variant Classification Scheme 2023. Collection method: clinical testing. Allele origin: germline.

Labcorp Genetics (formerly Invitae), Labcorp
Classification: Uncertain significance for Autosomal recessive limb-girdle muscular dystrophy type 2T; Muscular dystrophy-dystroglycanopathy (congenital with brain and eye anomalies), type A14; Muscular dystrophy-dystroglycanopathy (congenital with impaired intellectual development), type B, 14. Last evaluated: 2021-11-13. Review status: criteria provided, single submitter. Criteria: Invitae Variant Classification Sherloc (09022015). Collection method: clinical testing. Allele origin: germline.
Comment: This sequence change replaces leucine, which is neutral and non-polar, with phenylalanine, which is neutral and non-polar, at codon 303 of the GMPPB protein (p.Leu303Phe). In summary, the available evidence is currently insufficient to determine the role of this variant in disease. Therefore, it has been classified as a Variant of Uncertain Significance. Algorithms developed to predict the effect of sequence changes on RNA splicing suggest that this variant may create or strengthen a splice site. Studies have shown that this missense change alters GMPPB gene expression (PMID: 26133662). Algorithms developed to predict the effect of missense changes on protein structure and function are either unavailable or do not agree on the potential impact of this missense change (SIFT: "Deleterious"; PolyPhen-2: "Possibly Damaging"; Align-GVGD: "Class C0"). This missense change has been observed in individual(s) with congenital myasthenic syndrome and/or limb girdle muscular dystrophy (PMID: 26133662, 29437916). This variant is not present in population databases (gnomAD no frequency).

Literature cited by the submitters: PubMed 27147698 (cited by Ambry Genetics); PubMed 29437916 (cited by Ambry Genetics and Labcorp Genetics (formerly Invitae), Labcorp); PubMed 26133662 (cited by Labcorp Genetics (formerly Invitae), Labcorp).